The following is an entry in ClinVar:

ClinVar aggregate classification (germline): Likely benign. Review status: criteria provided, multiple submitters, no conflicts (2 of 4 stars). 2 submissions from 2 submitters: Likely benign (2). Last evaluated 2022-04-11.

Conditions:
Collagen 6-related myopathy. Identifiers: MedGen CN117976, MONDO:0100225.
Bethlem myopathy 1A. Also called: MYOPATHY, BENIGN CONGENITAL, WITH CONTRACTURES; Bethlem myopathy 1; Bethlem Muscular Dystrophy. Identifiers: Orphanet 610, MedGen CN029274, MONDO:0024530, OMIM 158810.

Allele frequency attached by ClinVar (database versions not stated): gnomAD 0.00001; gnomAD exomes 0.00001; ExAC 0.00002.
gnomAD v4.1: 18 of 1,612,776 alleles (0.0011%); highest among the groups gnomAD compares: South Asian, 0.0022%; no homozygotes.

Submissions (2):

Labcorp Genetics (formerly Invitae), Labcorp
Classification: Likely benign for Bethlem myopathy 1A. Last evaluated: 2022-04-11. Review status: criteria provided, single submitter. Criteria: Invitae Variant Classification Sherloc (09022015). Collection method: clinical testing. Allele origin: germline.

Illumina Laboratory Services, Illumina
Classification: Likely benign for Collagen VI-related myopathy. Last evaluated: 2018-01-13. Review status: criteria provided, single submitter. Criteria: ICSL Variant Classification Criteria 13 December 2019. Collection method: clinical testing. Allele origin: germline.
Comment: This variant was observed in the ICSL laboratory as part of a predisposition screen in an ostensibly healthy population. It had not been previously curated by ICSL or reported in the Human Gene Mutation Database (HGMD: prior to June 1st, 2018), and was therefore a candidate for classification through an automated scoring system. Utilizing variant allele frequency, disease prevalence and penetrance estimates, and inheritance mode, an automated score was calculated to assess if this variant is too frequent to cause the disease. Based on the score and internal cut-off values, a variant classified as likely benign is not then subjected to further curation. The score for this variant resulted in a classification of likely benign for this disease.

NM_001849.4(COL6A2):c.1735-14C>T

Gene: COL6A2 (collagen type VI alpha 2 chain; plus strand). Cytogenetic location: 21q22.3.
Variant type: single nucleotide variant.
Coding change: c.1735-14C>T on transcript NM_001849.4 (MANE Select); 14 bases into the intron before coding-DNA position 1735, C replaced by T.
Molecular consequence: intron variant.
Genome position (GRCh38, 1-based): chr21:46,124,871, C>T. VCF-style: chr21-46124871-C-T. GRCh37 (hg19) VCF-style: chr21-47544785-C-T.
Other names: c.1735-14C>T (NM_058175.3, NM_058174.3).
Identifiers: ClinVar variation 895001 (VCV000895001.8), dbSNP rs762776002, ClinGen allele CA10072157.